The following is an entry in ClinVar:

NM_019892.6(INPP5E):c.785C>G (p.Pro262Arg)

Gene: INPP5E (inositol polyphosphate-5-phosphatase E; minus strand). Cytogenetic location: 9q34.3.
Variant type: single nucleotide variant.
Coding change: c.785C>G on transcript NM_019892.6 (MANE Select); coding-DNA position 785, C replaced by G.
Protein change: p.Pro262Arg; replaces proline 262 with arginine.
Molecular consequence: missense variant.
Genome position (GRCh38, 1-based): chr9:136,438,635, G>C on the plus strand (C>G on the coding strand, the complement: INPP5E is on the minus strand). VCF-style: chr9-136438635-G-C. GRCh37 (hg19) VCF-style: chr9-139333087-G-C.
Other names: c.785C>G, p.Pro262Arg (NM_001318502.2); short protein forms P262R.
Identifiers: ClinVar variation 3346582 (VCV003346582.1).

ClinVar aggregate classification (germline): Uncertain significance (0 of 4 stars; one submission).

Conditions:
INPP5E-related disorder. Also called: INPP5E-related condition.

gnomAD v4.1: 2 of 1,571,132 alleles (0.00013%); highest among the groups gnomAD compares: Admixed American, 0.0037%; no homozygotes.

Submission:

PreventionGenetics, part of Exact Sciences
Classification: Uncertain significance for INPP5E-related condition. Last evaluated: 2024-04-18. Review status: no assertion criteria provided. Collection method: clinical testing. Allele origin: germline.
Comment: The INPP5E c.785C>G variant is predicted to result in the amino acid substitution p.Pro262Arg. To our knowledge, this variant has not been reported in the literature. This variant is reported in 0.0037% of alleles in individuals of Latino descent in gnomAD. At this time, the clinical significance of this variant is uncertain due to the absence of conclusive functional and genetic evidence.